The following is an entry in ClinVar:

NM_005055.5(RAPSN):c.491G>A (p.Arg164His)

Gene: RAPSN (receptor associated protein of the synapse; minus strand). Cytogenetic location: 11p11.2.
Variant type: single nucleotide variant.
Coding change: c.491G>A on transcript NM_005055.5 (MANE Select); coding-DNA position 491, G replaced by A.
Protein change: p.Arg164His; replaces arginine 164 with histidine.
Molecular consequence: missense variant.
Genome position (GRCh38, 1-based): chr11:47,447,852, C>T on the plus strand (G>A on the coding strand, the complement: RAPSN is on the minus strand). VCF-style: chr11-47447852-C-T. GRCh37 (hg19) VCF-style: chr11-47469404-C-T.
Other names: c.491G>A (NM_005055.4); c.491G>A, p.Arg164His (NM_032645.5); short protein forms R164H.
Identifiers: ClinVar variation 1285362 (VCV001285362.11), dbSNP rs374588028, ClinGen allele CA5976733.
Genomic context (GRCh38, chr11:47,447,852, plus strand): 5'-CCCCTGGGGTGCAGGCCCACCTTGACCTGGGCATAGAAGCTGCCCAGGCTGCAGCACACG[C>T]GGCACTCGAGCATGGCGTCATCATTGTTGTGGGCATAGCGCAGGGCCTTCTCGAAGCTCT-3'
Protein context (NP_005046.2, residues 154-174): HNNDDAMLEC[Arg164His]VCCSLGSFYA

ClinVar aggregate classification (germline): Conflicting classifications of pathogenicity. Review status: criteria provided, conflicting classifications (1 of 4 stars). 7 submissions from 7 submitters: Likely pathogenic (5); Uncertain significance (2). Last evaluated 2025-12-10.

Conditions:
Fetal akinesia deformation sequence 1 (FADS1). Also called: Pena-Shokeir syndrome type I; Fetal akinesia sequence. Identifiers: Orphanet 994, MedGen C1276035, MONDO:0100101, OMIM 208150, HP:0001989.
Congenital myasthenic syndrome 11. Also called: MYASTHENIC SYNDROME, CONGENITAL, Ie; Myasthenic syndrome, congenital, 11, associated with acetylcholine receptor deficiency. Identifiers: Orphanet 590, MedGen C4225367, MONDO:0014588, OMIM 616326.
Fetal akinesia deformation sequence 2. Identifiers: MedGen C4760576, MONDO:0100102, OMIM 618388.
Congenital myasthenic syndrome (CMS). Also called: Congenital Myasthenic Syndromes. Identifiers: Orphanet 590, MedGen C0751882, MeSH D020294, MONDO:0018940.

Allele frequency attached by ClinVar (database versions not stated): gnomAD 0.00001; TOPMed 0.00001; ESP Exome Variant Server 0.00008; gnomAD exomes 0.00001; ExAC 0.00001.
gnomAD v4.1: 8 of 1,613,266 alleles (0.0005%); highest among the groups gnomAD compares: Middle Eastern, 0.016%; no homozygotes.

Submissions (7):

Natera, Inc.
Classification: Likely pathogenic for Congenital myasthenic syndrome. Last evaluated: 2025-12-10. Review status: criteria provided, single submitter. Criteria: Natera Variant Classification Schema (03/2026). Collection method: clinical testing. Allele origin: germline.
Comment: The c.491G>A variant in RAPSN is a missense variant predicted to cause substitution of arginine to histidine at amino acid 164. This variant is rare in the general population with a frequency below the threshold expected for the associated phenotype(s). This variant has been observed in at least one unaffected individual, with a zygosity that is consistent with the inheritance pattern for the associated condition (in gnomAD and/or literature) (PMID: 27966543). This variant has been observed in one or more individuals affected with the associated recessive disease, as either homozygous or compound heterozygous with a second variant (PMID: 39589458, 19620612). Functional studies show that this variant may disrupt protein function (PMID: 34033754). A different variant at the same position has been determined to be Pathogenic or Likely Pathogenic. Computational prediction algorithms indicate this variant is likely to affect gene or protein function. Given the available evidence, this variant is classified as Likely Pathogenic.

3billion
Classification: Likely pathogenic for Congenital myasthenic syndrome 11. Last evaluated: 2025-12-03. Review status: criteria provided, single submitter. Criteria: ACMG Guidelines, 2015. Collection method: clinical testing. Allele origin: germline. Affected: yes.
Comment: The variant is observed at an extremely low frequency in the gnomAD v4.1.0 dataset (total allele frequency: <0.001%). Predicted Consequence/Location: Missense variant The same nucleotide change resulting in the same amino acid change has been previously reported as pathogenic/likely pathogenic with strong evidence (ClinVar ID: VCV001285362 /PMID: 19620612). Different missense changes at the same codon (p.Arg164Cys, p.Arg164Gly) have been reported as pathogenic/likely pathogenic with strong evidence (ClinVar ID: VCV000008054, VCV001417647 /PMID: 16931511, 34749429). Therefore, this variant is classified as Likely pathogenic according to the recommendation of ACMG/AMP guideline.

Labcorp Genetics (formerly Invitae), Labcorp
Classification: Uncertain significance for Congenital myasthenic syndrome 11; Fetal akinesia deformation sequence 1. Last evaluated: 2025-11-25. Review status: criteria provided, single submitter. Criteria: Invitae Variant Classification Sherloc (09022015). Collection method: clinical testing. Allele origin: germline.
Comment: This sequence change replaces arginine, which is basic and polar, with histidine, which is basic and polar, at codon 164 of the RAPSN protein (p.Arg164His). The frequency data for this variant in the population databases is considered unreliable, as metrics indicate poor data quality at this position in the gnomAD database. This missense change has been observed in individual(s) with RAPSN-associated conditions (PMID: 19620612, 38374194). ClinVar contains an entry for this variant (Variation ID: 1285362). Invitae Evidence Modeling of protein sequence and biophysical properties (such as structural, functional, and spatial information, amino acid conservation, physicochemical variation, residue mobility, and thermodynamic stability) has been performed for this missense variant. However, the output from this modeling did not meet the statistical confidence thresholds required to predict the impact of this variant on RAPSN protein function. This variant disrupts the p.Arg164 amino acid residue in RAPSN. Other variant(s) that disrupt this residue have been determined to be pathogenic (internal data). This suggests that this residue is clinically significant, and that variants that disrupt this residue are likely to be disease-causing. In summary, the available evidence is currently insufficient to determine the role of this variant in disease. Therefore, it has been classified as a Variant of Uncertain Significance.

Revvity Omics, Revvity
Classification: Uncertain significance. Last evaluated: 2025-03-24. Review status: criteria provided, single submitter. Criteria: ACMG Guidelines, 2015. Collection method: clinical testing. Allele origin: germline.

Fulgent Genetics
Classification: Likely pathogenic for Congenital myasthenic syndrome 11; Fetal akinesia deformation sequence 2. Last evaluated: 2024-04-23. Review status: criteria provided, single submitter. Criteria: ACMG Guidelines, 2015. Collection method: clinical testing. Allele origin: germline.

Baylor Genetics
Classification: Likely pathogenic for Fetal akinesia deformation sequence 2. Last evaluated: 2024-02-19. Review status: criteria provided, single submitter. Criteria: ACMG Guidelines, 2015. Collection method: clinical testing. Allele origin: unknown.

GeneDx
Classification: Likely pathogenic. Last evaluated: 2023-11-08. Review status: criteria provided, single submitter. Criteria: GeneDx Variant Classification Process June 2021. Collection method: clinical testing. Allele origin: germline. Affected: yes.
Comment: Observed as a homozygous variant in multiple affected and unaffected relatives in a family with limb-girdle type congenital myasthenic syndrome. Affected patients also carried a homozygous variant in another gene, suggesting digenic inheritance with the R164H variant possibly being a hypomorphic allele (PMID: 27966543); Published functional studies suggest that this variant weakens the self-association of the protein and impairs end-plate acetylcholine receptor clustering (PMID: 34033754); Not observed at significant frequency in large population cohorts (gnomAD); Located within TPR5 domain (PMID: 22678886); In silico analysis supports that this missense variant does not alter protein structure/function; This variant is associated with the following publications: (PMID: 34426522, 34139178, 22678886, 27966543, 19620612, 34033754)

Literature cited by the submitters: PubMed 27966543 (cited by Natera, Inc.); PubMed 39589458 (cited by Natera, Inc.); PubMed 19620612 (cited by 3 submitters); PubMed 34033754 (cited by Natera, Inc.); PubMed 16931511 (cited by 3billion); PubMed 38374194 (cited by Labcorp Genetics (formerly Invitae), Labcorp).